The following is an entry in ClinVar:

NM_000361.3(THBD):c.537T>G (p.Ala179=)

Gene: THBD (thrombomodulin; minus strand). Cytogenetic location: 20p11.21.
Variant type: single nucleotide variant.
Coding change: c.537T>G on transcript NM_000361.3 (MANE Select); coding-DNA position 537, T replaced by G.
Protein change: p.Ala179=; no amino-acid change (alanine 179 retained).
Molecular consequence: synonymous variant.
Genome position (GRCh38, 1-based): chr20:23,048,968, A>C on the plus strand (T>G on the coding strand, the complement: THBD is on the minus strand). VCF-style: chr20-23048968-A-C. GRCh37 (hg19) VCF-style: chr20-23029605-A-C.
Identifiers: ClinVar variation 3658050 (VCV003658050.2).

ClinVar aggregate classification (germline): Uncertain significance (1 of 4 stars; one submission).

Submission:

Labcorp Genetics (formerly Invitae), Labcorp
Classification: Uncertain significance. Last evaluated: 2024-06-26. Review status: criteria provided, single submitter. Criteria: Invitae Variant Classification Sherloc (09022015). Collection method: clinical testing. Allele origin: germline.
Comment: This sequence change affects codon 179 of the THBD mRNA. It is a 'silent' change, meaning that it does not change the encoded amino acid sequence of the THBD protein. This variant is not present in population databases (gnomAD no frequency). This variant has not been reported in the literature in individuals affected with THBD-related conditions. In summary, the available evidence is currently insufficient to determine the role of this variant in disease. Therefore, it has been classified as a Variant of Uncertain Significance.